The following is an entry in ClinVar:

NM_000426.4(LAMA2):c.640-26G>A

Gene: LAMA2 (laminin subunit alpha 2; plus strand). Cytogenetic location: 6q22.33.
Variant type: single nucleotide variant.
Coding change: c.640-26G>A on transcript NM_000426.4 (MANE Select); 26 bases into the intron before coding-DNA position 640, G replaced by A.
Molecular consequence: intron variant.
Genome position (GRCh38, 1-based): chr6:129,143,875, G>A. VCF-style: chr6-129143875-G-A. GRCh37 (hg19) VCF-style: chr6-129465020-G-A.
Other names: c.640-26G>A (NM_001079823.2).
Identifiers: ClinVar variation 256079 (VCV000256079.2), dbSNP rs7754560, ClinGen allele CA3992390.

ClinVar aggregate classification (germline): Benign. Review status: criteria provided, multiple submitters, no conflicts (2 of 4 stars). 2 submissions from 2 submitters: Benign (2). Last evaluated 2018-06-14.

Allele frequency attached by ClinVar (database versions not stated): gnomAD 0.25067 and 0.24792; 1000 Genomes Project 30x 0.25375; ESP Exome Variant Server 0.25454; gnomAD exomes 0.19325 and 0.20123; ExAC 0.21458; 1000 Genomes Project 0.24740; TOPMed 0.24938.
gnomAD v4.1: 309,732 of 1,502,734 alleles (21%); highest among the groups gnomAD compares: African/African-American, 39%; 33,958 homozygotes.

Submissions (2):

GeneDx
Classification: Benign. Last evaluated: 2018-06-14. Review status: criteria provided, single submitter. Criteria: GeneDx Variant Classification (06012015). Collection method: clinical testing. Allele origin: germline. Affected: yes.
Comment: This variant is considered likely benign or benign based on one or more of the following criteria: it is a conservative change, it occurs at a poorly conserved position in the protein, it is predicted to be benign by multiple in silico algorithms, and/or has population frequency not consistent with disease.

PreventionGenetics, part of Exact Sciences
Classification: Benign. Review status: criteria provided, single submitter. Criteria: ACMG Guidelines, 2015. Collection method: clinical testing. Allele origin: germline.